The following is an entry in ClinVar:

NM_022915.5(MRPL44):c.47T>G (p.Leu16Arg)

Genes: MRPL44 (mitochondrial ribosomal protein L44; plus strand), LOC129935704 (ATAC-STARR-seq lymphoblastoid active region 17184; plus strand). Cytogenetic location: 2q36.1.
Variant type: single nucleotide variant.
Coding change: c.47T>G on transcript NM_022915.5 (MANE Select); coding-DNA position 47, T replaced by G.
Protein change: p.Leu16Arg; replaces leucine 16 with arginine.
Molecular consequence: missense variant.
Genome position (GRCh38, 1-based): chr2:223,957,519, T>G. VCF-style: chr2-223957519-T-G. GRCh37 (hg19) VCF-style: chr2-224822236-T-G.
Other names: c.47T>G (NM_022915.3); short protein forms L16R.
Identifiers: ClinVar variation 1400248 (VCV001400248.8), dbSNP rs148281067, ClinGen allele CA2138964.

ClinVar aggregate classification (germline): Uncertain significance. Review status: criteria provided, multiple submitters, no conflicts (2 of 4 stars). 3 submissions from 3 submitters: Uncertain significance (3). Last evaluated 2026-03-09.

Conditions:
Inborn genetic diseases. Identifiers: MedGen C0950123, MeSH D030342.

Allele frequency attached by ClinVar (database versions not stated): gnomAD 0.00011; TOPMed 0.00017; ESP Exome Variant Server 0.00031; 1000 Genomes Project 0.00040; 1000 Genomes Project 30x 0.00047.
gnomAD v4.1: 28 of 1,614,136 alleles (0.0017%); highest among the groups gnomAD compares: African/African-American, 0.028%; no homozygotes.

Submissions (3):

GeneDx
Classification: Uncertain significance. Last evaluated: 2026-03-09. Review status: criteria provided, single submitter. Criteria: GeneDx Variant Classification Process June 2021. Collection method: clinical testing. Allele origin: germline.
Comment: In silico analysis suggests that this missense variant does not alter protein structure/function; Has not been previously published as pathogenic or benign to our knowledge

Ambry Genetics
Classification: Uncertain significance for Inborn genetic diseases. Last evaluated: 2025-08-28. Review status: criteria provided, single submitter. Criteria: Ambry Variant Classification Scheme 2023. Collection method: clinical testing. Allele origin: germline.

Labcorp Genetics (formerly Invitae), Labcorp
Classification: Uncertain significance. Last evaluated: 2022-07-05. Review status: criteria provided, single submitter. Criteria: Invitae Variant Classification Sherloc (09022015). Collection method: clinical testing. Allele origin: germline.
Comment: In summary, the available evidence is currently insufficient to determine the role of this variant in disease. Therefore, it has been classified as a Variant of Uncertain Significance. Algorithms developed to predict the effect of missense changes on protein structure and function are either unavailable or do not agree on the potential impact of this missense change (SIFT: "Tolerated"; PolyPhen-2: "Possibly Damaging"; Align-GVGD: "Class C0"). ClinVar contains an entry for this variant (Variation ID: 1400248). This variant has not been reported in the literature in individuals affected with MRPL44-related conditions. This variant is present in population databases (rs148281067, gnomAD 0.04%). This sequence change replaces leucine, which is neutral and non-polar, with arginine, which is basic and polar, at codon 16 of the MRPL44 protein (p.Leu16Arg).